The following is an entry in ClinVar:

ClinVar aggregate classification (germline): Uncertain significance. Review status: criteria provided, single submitter (1 of 4 stars). 2 submissions from 2 submitters: Uncertain significance (1). 1 of the submissions does not count toward it. Last evaluated 2024-02-08.

Conditions:
Glutaric acidemia type 2A.
Multiple acyl-CoA dehydrogenase deficiency (MADD). Also called: Glutaric aciduria, type 2; Glutaric acidemia type II; GA 2; ETHYLMALONIC-ADIPICACIDURIA; GA II; Glutaric Acidemia type 2. Identifiers: Orphanet 26791, MedGen C0268596, MONDO:0009282, OMIM 231680.

Submissions (2):

Labcorp Genetics (formerly Invitae), Labcorp
Classification: Uncertain significance for Multiple acyl-CoA dehydrogenase deficiency. Last evaluated: 2024-02-08. Review status: criteria provided, single submitter. Criteria: Invitae Variant Classification Sherloc (09022015). Collection method: clinical testing. Allele origin: germline.
Comment: This sequence change replaces lysine, which is basic and polar, with arginine, which is basic and polar, at codon 187 of the ETFA protein (p.Lys187Arg). This variant is not present in population databases (gnomAD no frequency). This variant has not been reported in the literature in individuals affected with ETFA-related conditions. ClinVar contains an entry for this variant (Variation ID: 1056633). An algorithm developed to predict the effect of missense changes on protein structure and function (PolyPhen-2) suggests that this variant is likely to be tolerated. In summary, the available evidence is currently insufficient to determine the role of this variant in disease. Therefore, it has been classified as a Variant of Uncertain Significance.

Natera, Inc.
Classification: Uncertain significance for Glutaric acidemia type 2A. Last evaluated: 2020-05-04. Review status: no assertion criteria provided. Collection method: clinical testing. Allele origin: germline. Not counted in ClinVar's aggregate classification.

NM_000126.4(ETFA):c.560A>G (p.Lys187Arg)

Gene: ETFA (electron transfer flavoprotein subunit alpha; minus strand). Cytogenetic location: 15q24.2.
Variant type: single nucleotide variant.
Coding change: c.560A>G on transcript NM_000126.4 (MANE Select); coding-DNA position 560, A replaced by G.
Protein change: p.Lys187Arg; replaces lysine 187 with arginine.
Molecular consequence: missense variant.
Genome position (GRCh38, 1-based): chr15:76,286,373, T>C on the plus strand (A>G on the coding strand, the complement: ETFA is on the minus strand). VCF-style: chr15-76286373-T-C. GRCh37 (hg19) VCF-style: chr15-76578714-T-C.
Other names: c.413A>G, p.Lys138Arg (NM_001127716.2); short protein forms K138R, K187R.
Identifiers: ClinVar variation 1056633 (VCV001056633.11), dbSNP rs2141531541, ClinGen allele CA393513332.